The following is an entry in ClinVar:

NM_005427.4(TP73):c.922_924dup (p.His308_Tyr309insHis)

Genes: TP73 (tumor protein p73; plus strand), LOC129929200 (ATAC-STARR-seq lymphoblastoid active region 65; plus strand). Cytogenetic location: 1p36.32.
Variant type: Duplication.
Coding change: c.922_924dup on transcript NM_005427.4 (MANE Select); coding-DNA positions 922 to 924, 3 bases duplicated (CAC; older notation c.922_924dupCAC).
Protein change: p.His308_Tyr309insHis.
Molecular consequence: inframe insertion.
Genome position (GRCh38, 1-based): chr1:3,727,707-3,727,709, CAC duplicated; duplicating any 3 consecutive bases within chr1:3,727,705-3,727,709 gives the same sequence; the c. name uses the placement nearest the transcript's 3' end. VCF-style (leftmost placement, unchanged base first): chr1-3727704-G-GACC. GRCh37 (hg19) VCF-style: chr1-3644268-G-GACC.
Other names: c.775_777dup, p.His259_Tyr260insHis (NM_001126240.3, NM_001126241.3, NM_001126242.3 and 3 more transcripts); c.922_924dup, p.His308_Tyr309insHis (NM_001204184.2, NM_001204185.2, NM_001204186.2 and 2 more transcripts); c.709_711dup, p.His237_Tyr238insHis (NM_001204192.2).
Identifiers: ClinVar variation 2400595 (VCV002400595.2), dbSNP rs1469650149, ClinGen allele CA735473999.
Genomic context (GRCh38, chr1:3,727,704, plus strand): 5'-CGCCGGTCCTTTGAGGGCCGCATCTGCGCCTGTCCTGGCCGCGACCGAAAAGCTGATGAG[G>GACC]ACCACTACCGGGAGCAGCAGGCCCTGAACGAGAGCTCCGCCAAGAACGGGGCCGCCAGCA-3'

ClinVar aggregate classification (germline): Uncertain significance (1 of 4 stars; one submission).

Conditions:
Inborn genetic diseases. Identifiers: MedGen C0950123, MeSH D030342.

Submission:

Ambry Genetics
Classification: Uncertain significance for Inborn genetic diseases. Last evaluated: 2022-09-19. Review status: criteria provided, single submitter. Criteria: Ambry Variant Classification Scheme 2023. Collection method: clinical testing. Allele origin: germline.
Comment: The c.922_924dupCAC (p.H308dup) alteration is located in exon 8 (coding exon 7) of the TP73 gene. The alteration consists of an in-frame duplication of 3 nucleotides from position 922 to 924, resulting in the duplication of <NA> residues. Based on insufficient or conflicting evidence, the clinical significance of this alteration remains unclear.